The following is an entry in ClinVar:

ClinVar aggregate classification (germline): Uncertain significance (1 of 4 stars; one submission).

Conditions:
Inborn genetic diseases. Identifiers: MedGen C0950123, MeSH D030342.

Submission:

Ambry Genetics
Classification: Uncertain significance for Inborn genetic diseases. Last evaluated: 2025-09-07. Review status: criteria provided, single submitter. Criteria: Ambry Variant Classification Scheme 2023. Collection method: clinical testing. Allele origin: germline.
Comment: The p.S712Y variant (also known as c.2135C>A), located in coding exon 15 of the LTBP3 gene, results from a C to A substitution at nucleotide position 2135. The serine at codon 712 is replaced by tyrosine, an amino acid with dissimilar properties. This amino acid position is conserved. In addition, this alteration is predicted to be tolerated by in silico analysis. Based on the available evidence, the clinical significance of this variant remains unclear.

NM_001130144.3(LTBP3):c.2135C>A (p.Ser712Tyr)

Gene: LTBP3 (latent transforming growth factor beta binding protein 3; minus strand). Cytogenetic location: 11q13.1.
Variant type: single nucleotide variant.
Coding change: c.2135C>A on transcript NM_001130144.3 (MANE Select); coding-DNA position 2135, C replaced by A.
Protein change: p.Ser712Tyr; replaces serine 712 with tyrosine.
Molecular consequence: missense variant.
Genome position (GRCh38, 1-based): chr11:65,546,893, G>T on the plus strand (C>A on the coding strand, the complement: LTBP3 is on the minus strand). VCF-style: chr11-65546893-G-T. GRCh37 (hg19) VCF-style: chr11-65314364-G-T.
Other names: c.1784C>A, p.Ser595Tyr (NM_001164266.1); c.2135C>A, p.Ser712Tyr (NM_021070.4); short protein forms S712Y, S595Y.
Identifiers: ClinVar variation 4101324 (VCV004101324.1).